The following is an entry in ClinVar:

ClinVar aggregate classification (germline): Conflicting classifications of pathogenicity. Review status: criteria provided, conflicting classifications (1 of 4 stars). 5 submissions from 5 submitters: Uncertain significance (4); Likely benign (1). Last evaluated 2026-05-11.

Conditions:
ADGRV1-related disorder. Also called: ADGRV1-related condition; ADGRV1-related disorders.
Inborn genetic diseases. Identifiers: MedGen C0950123, MeSH D030342.

Allele frequency attached by ClinVar (database versions not stated): ExAC 0.00002; gnomAD exomes 0.00002; TOPMed 0.00007; ESP Exome Variant Server 0.00008; gnomAD 0.00011 and 0.00013.
gnomAD v4.1: 33 of 1,611,704 alleles (0.002%); highest among the groups gnomAD compares: African/African-American, 0.027%; no homozygotes.

Submissions (5):

PreventionGenetics, part of Exact Sciences
Classification: Uncertain significance for ADGRV1-related condition. Last evaluated: 2026-05-11. Review status: criteria provided, single submitter. Criteria: ACMG Guidelines, 2015. Collection method: clinical testing. Allele origin: germline.
Comment: The ADGRV1 c.14605C>T variant is predicted to result in the amino acid substitution p.Leu4869Phe. To our knowledge, this variant has not been reported in the literature. This variant is reported in 0.029% of alleles in individuals of African descent in gnomAD. At this time, the clinical significance of this variant is uncertain due to the absence of conclusive functional and genetic evidence.

Labcorp Genetics (formerly Invitae), Labcorp
Classification: Likely benign. Last evaluated: 2025-12-03. Review status: criteria provided, single submitter. Criteria: Invitae Variant Classification Sherloc (09022015). Collection method: clinical testing. Allele origin: germline.

Ambry Genetics
Classification: Uncertain significance for Inborn genetic diseases. Last evaluated: 2025-08-09. Review status: criteria provided, single submitter. Criteria: Ambry Variant Classification Scheme 2023. Collection method: clinical testing. Allele origin: germline.

Blueprint Genetics
Classification: Uncertain significance. Last evaluated: 2024-09-18. Review status: criteria provided, single submitter. Criteria: ACMG Guidelines, 2015. Collection method: clinical testing. Allele origin: germline.

GeneDx
Classification: Uncertain significance. Last evaluated: 2021-08-19. Review status: criteria provided, single submitter. Criteria: GeneDx Variant Classification Process June 2021. Collection method: clinical testing. Allele origin: germline. Affected: yes.
Comment: In silico analysis supports that this missense variant does not alter protein structure/function; Has not been previously published as pathogenic or benign to our knowledge

NM_032119.4(ADGRV1):c.14605C>T (p.Leu4869Phe)

Gene: ADGRV1 (adhesion G protein-coupled receptor V1; plus strand). Cytogenetic location: 5q14.3.
Variant type: single nucleotide variant.
Coding change: c.14605C>T on transcript NM_032119.4 (MANE Select); coding-DNA position 14605, C replaced by T.
Protein change: p.Leu4869Phe; replaces leucine 4869 with phenylalanine.
Molecular consequence: missense variant. On other transcripts: non-coding transcript variant (1).
Genome position (GRCh38, 1-based): chr5:90,802,826, C>T. VCF-style: chr5-90802826-C-T. GRCh37 (hg19) VCF-style: chr5-90098643-C-T.
Other names: short protein forms L4869F.
Identifiers: ClinVar variation 849358 (VCV000849358.14), dbSNP rs371563402, ClinGen allele CA3341766.